The following is an entry in ClinVar:

NM_178857.6(RP1L1):c.5347G>A (p.Ala1783Thr)

Gene: RP1L1 (RP1 like 1). Cytogenetic location: 8p23.1.
Variant type: single nucleotide variant.
Coding change: c.5347G>A on transcript NM_178857.6 (MANE Select); coding-DNA position 5347, G replaced by A.
Protein change: p.Ala1783Thr; replaces alanine 1783 with threonine.
Molecular consequence: missense variant.
Genome position (GRCh38, 1-based): chr8:10,608,751, C>T on the plus strand (G>A on the coding strand, the complement: RP1L1 is on the minus strand). VCF-style: chr8-10608751-C-T. GRCh37 (hg19) VCF-style: chr8-10466261-C-T.
Other names: short protein forms A1783T.
Identifiers: ClinVar variation 2229959 (VCV002229959.4), dbSNP rs755891876, ClinGen allele CA4623686.

ClinVar aggregate classification (germline): Uncertain significance. Review status: criteria provided, multiple submitters, no conflicts (2 of 4 stars). 3 submissions from 3 submitters: Uncertain significance (3). Last evaluated 2025-12-10.

Conditions:
Inborn genetic diseases. Identifiers: MedGen C0950123, MeSH D030342.
RP1L1-related disorder. Also called: RP1L1-related condition.

Allele frequency attached by ClinVar (database versions not stated): ExAC 0.00003; gnomAD 0.00003; TOPMed 0.00005; gnomAD exomes 0.00007.
gnomAD v4.1: 102 of 1,614,148 alleles (0.0063%); highest among the groups gnomAD compares: Non-Finnish European, 0.0083%; no homozygotes.

Submissions (3):

PreventionGenetics, part of Exact Sciences
Classification: Uncertain significance for RP1L1-related condition. Last evaluated: 2025-12-10. Review status: criteria provided, single submitter. Criteria: ACMG Guidelines, 2015. Collection method: clinical testing. Allele origin: germline.
Comment: The RP1L1 c.5347G>A variant is predicted to result in the amino acid substitution p.Ala1783Thr. To our knowledge, this variant has not been reported in the literature. This variant is reported in 0.0085% of alleles in individuals of European (Non-Finnish) descent in gnomAD. At this time, the clinical significance of this variant is uncertain due to the absence of conclusive functional and genetic evidence.

Blueprint Genetics
Classification: Uncertain significance. Last evaluated: 2024-07-18. Review status: criteria provided, single submitter. Criteria: ACMG Guidelines, 2015. Collection method: clinical testing. Allele origin: germline.

Ambry Genetics
Classification: Uncertain significance for Inborn genetic diseases. Last evaluated: 2022-12-02. Review status: criteria provided, single submitter. Criteria: Ambry Variant Classification Scheme 2023. Collection method: clinical testing. Allele origin: germline.